The following is an entry in ClinVar:

ClinVar aggregate classification (germline): Conflicting classifications of pathogenicity. Review status: criteria provided, conflicting classifications (1 of 4 stars). 6 submissions from 6 submitters: Uncertain significance (2); Likely benign (4). Last evaluated 2025-12-02.

Conditions:
Cardiovascular phenotype. Identifiers: MedGen CN230736.
Dilated cardiomyopathy 1G (CMD1G). Identifiers: Orphanet 154, MedGen C1858763, MONDO:0011400, OMIM 604145.
Autosomal recessive limb-girdle muscular dystrophy type 2J (LGMDR10). Also called: Limb-girdle muscular dystrophy, type 2J; MUSCULAR DYSTROPHY, LIMB-GIRDLE, AUTOSOMAL RECESSIVE 10. Identifiers: Orphanet 140922, MedGen C1837342, MONDO:0012127, OMIM 608807.

Allele frequency attached by ClinVar (database versions not stated): TOPMed 0.00002.
gnomAD v4.1: 30 of 1,614,002 alleles (0.0019%); highest among the groups gnomAD compares: Middle Eastern, 0.016%; no homozygotes.

Submissions (6):

Labcorp Genetics (formerly Invitae), Labcorp
Classification: Likely benign for Dilated cardiomyopathy 1G; Autosomal recessive limb-girdle muscular dystrophy type 2J. Last evaluated: 2025-12-02. Review status: criteria provided, single submitter. Criteria: Invitae Variant Classification Sherloc (09022015). Collection method: clinical testing. Allele origin: germline.

GeneDx
Classification: Uncertain significance. Last evaluated: 2024-06-26. Review status: criteria provided, single submitter. Criteria: GeneDx Variant Classification Process June 2021. Collection method: clinical testing. Allele origin: germline. Affected: yes.
Comment: Not observed at significant frequency in large population cohorts (gnomAD); In silico analysis indicates that this variant does not alter splicing; Has not been previously published as pathogenic or benign to our knowledge

Blueprint Genetics
Classification: Likely benign. Last evaluated: 2023-08-31. Review status: criteria provided, single submitter. Criteria: ACMG Guidelines, 2015. Collection method: clinical testing. Allele origin: germline.

Women's Health and Genetics/Laboratory Corporation of America, LabCorp
Classification: Likely benign. Last evaluated: 2022-06-26. Review status: criteria provided, single submitter. Criteria: LabCorp Variant Classification Summary - May 2015. Collection method: clinical testing. Allele origin: germline.

CeGaT Center for Human Genetics Tuebingen
Classification: Uncertain significance. Last evaluated: 2022-04-01. Review status: criteria provided, single submitter. Criteria: CeGaT Center For Human Genetics Tuebingen Variant Classification Criteria Version 2. Collection method: clinical testing. Allele origin: germline. Affected: yes. Observed: 2 variant alleles.
Comment: TTN: PM2, BP4

Ambry Genetics
Classification: Likely benign for Cardiovascular phenotype. Last evaluated: 2019-10-04. Review status: criteria provided, single submitter. Criteria: Ambry Variant Classification Scheme 2023. Collection method: clinical testing. Allele origin: germline.

NM_001267550.2(TTN):c.156C>G (p.Pro52=)

Gene: TTN (titin; minus strand). Cytogenetic location: 2q31.2.
Variant type: single nucleotide variant.
Coding change: c.156C>G on transcript NM_001267550.2 (MANE Select); coding-DNA position 156, C replaced by G.
Protein change: p.Pro52=; no amino-acid change (proline 52 retained).
Molecular consequence: synonymous variant.
Genome position (GRCh38, 1-based): chr2:178,802,277, G>C on the plus strand (C>G on the coding strand, the complement: TTN is on the minus strand). VCF-style: chr2-178802277-G-C. GRCh37 (hg19) VCF-style: chr2-179667004-G-C.
Other names: c.156C>G (NM_001267550.1); c.156C>G, p.Pro52= (NM_001256850.1, NM_003319.4, NM_133378.4 and 3 more transcripts).
Identifiers: ClinVar variation 466835 (VCV000466835.44), dbSNP rs72647842, ClinGen allele CA2006406.